The following is an entry in ClinVar:

NM_001256545.2(MEGF10):c.1435G>A (p.Gly479Arg)

Gene: MEGF10 (multiple EGF like domains 10; plus strand). Cytogenetic location: 5q23.2.
Variant type: single nucleotide variant.
Coding change: c.1435G>A on transcript NM_001256545.2 (MANE Select); coding-DNA position 1435, G replaced by A.
Protein change: p.Gly479Arg; replaces glycine 479 with arginine.
Molecular consequence: missense variant.
Genome position (GRCh38, 1-based): chr5:127,420,052, G>A. VCF-style: chr5-127420052-G-A. GRCh37 (hg19) VCF-style: chr5-126755744-G-A.
Other names: c.1435G>A, p.Gly479Arg (NM_001308119.2, NM_001308121.2, NM_032446.3); short protein forms G479R.
Identifiers: ClinVar variation 350650 (VCV000350650.8), dbSNP rs372163689, ClinGen allele CA3391583.
Genomic context (GRCh38, chr5:127,420,052, plus strand): 5'-GGCTCTCTGCTGCCTTTGTTCGCTCACGTGCTCTGGCGTTCTTGTCGCACAGGCTGGCAC[G>A]GGGTGGACTGCTCCATCAGATGTCCCAGTGGCACATGGGGCTTTGGCTGTAACTTAACAT-3'
Protein context (NP_001243474.1, residues 469-489): GSCTCKAGWH[Gly479Arg]VDCSIRCPSG

ClinVar aggregate classification (germline): Uncertain significance. Review status: criteria provided, multiple submitters, no conflicts (2 of 4 stars). 3 submissions from 3 submitters: Uncertain significance (3). Last evaluated 2024-01-23.

Conditions:
MEGF10-related myopathy (CMYO10A). Also called: Congenital myopathy 10A, severe variant. Identifiers: Orphanet 439212, MedGen C3280679, MONDO:0013731, OMIM 614399.
Inborn genetic diseases. Identifiers: MedGen C0950123, MeSH D030342.

Allele frequency attached by ClinVar (database versions not stated): ExAC 0.00004; TOPMed 0.00004; gnomAD 0.00005 and 0.00006; gnomAD exomes 0.00005; ESP Exome Variant Server 0.00008.
gnomAD v4.1: 150 of 1,613,962 alleles (0.0093%); highest among the groups gnomAD compares: Non-Finnish European, 0.012%; no homozygotes.

Submissions (3):

Ambry Genetics
Classification: Uncertain significance for Inborn genetic diseases. Last evaluated: 2024-01-23. Review status: criteria provided, single submitter. Criteria: Ambry Variant Classification Scheme 2023. Collection method: clinical testing. Allele origin: germline.

Labcorp Genetics (formerly Invitae), Labcorp
Classification: Uncertain significance for MEGF10-related myopathy. Last evaluated: 2022-10-18. Review status: criteria provided, single submitter. Criteria: Invitae Variant Classification Sherloc (09022015). Collection method: clinical testing. Allele origin: germline.
Comment: This sequence change replaces glycine, which is neutral and non-polar, with arginine, which is basic and polar, at codon 479 of the MEGF10 protein (p.Gly479Arg). This variant is present in population databases (rs372163689, gnomAD 0.01%). This variant has not been reported in the literature in individuals affected with MEGF10-related conditions. ClinVar contains an entry for this variant (Variation ID: 350650). Advanced modeling of protein sequence and biophysical properties (such as structural, functional, and spatial information, amino acid conservation, physicochemical variation, residue mobility, and thermodynamic stability) performed at Invitae indicates that this missense variant is not expected to disrupt MEGF10 protein function. In summary, the available evidence is currently insufficient to determine the role of this variant in disease. Therefore, it has been classified as a Variant of Uncertain Significance.

Illumina Laboratory Services, Illumina
Classification: Uncertain significance for MEGF10-related myopathy. Last evaluated: 2018-01-13. Review status: criteria provided, single submitter. Criteria: ICSL Variant Classification Criteria 13 December 2019. Collection method: clinical testing. Allele origin: germline.